The following is an entry in ClinVar:

ClinVar aggregate classification (germline): Uncertain significance (1 of 4 stars; one submission).

Conditions:
DK1-congenital disorder of glycosylation. Also called: CDG Im; CONGENITAL DISORDER OF GLYCOSYLATION, TYPE Im; DK1 DEFICIENCY; DOLICHOL KINASE DEFICIENCY; DK1-CDG; DOLK-congenital disorder of glycosylation. Identifiers: Orphanet 91131, MedGen C1835849, MONDO:0012556, OMIM 610768.

Allele frequency attached by ClinVar (database versions not stated): TOPMed below 0.00001; gnomAD 0.00001.

Submission:

Labcorp Genetics (formerly Invitae), Labcorp
Classification: Uncertain significance for DK1-congenital disorder of glycosylation. Last evaluated: 2025-10-01. Review status: criteria provided, single submitter. Criteria: Invitae Variant Classification Sherloc (09022015). Collection method: clinical testing. Allele origin: germline.
Comment: This sequence change replaces aspartic acid, which is acidic and polar, with glycine, which is neutral and non-polar, at codon 451 of the DOLK protein (p.Asp451Gly). This variant is not present in population databases (gnomAD no frequency). This variant has not been reported in the literature in individuals affected with DOLK-related conditions. ClinVar contains an entry for this variant (Variation ID: 2791866). Invitae Evidence Modeling of protein sequence and biophysical properties (such as structural, functional, and spatial information, amino acid conservation, physicochemical variation, residue mobility, and thermodynamic stability) indicates that this missense variant is expected to disrupt DOLK protein function with a positive predictive value of 80%. In summary, the available evidence is currently insufficient to determine the role of this variant in disease. Therefore, it has been classified as a Variant of Uncertain Significance.

NM_014908.4(DOLK):c.1352A>G (p.Asp451Gly)

Gene: DOLK (dolichol kinase; minus strand). Cytogenetic location: 9q34.11.
Variant type: single nucleotide variant.
Coding change: c.1352A>G on transcript NM_014908.4 (MANE Select); coding-DNA position 1352, A replaced by G.
Protein change: p.Asp451Gly; replaces aspartic acid 451 with glycine.
Molecular consequence: missense variant.
Genome position (GRCh38, 1-based): chr9:128,945,952, T>C on the plus strand (A>G on the coding strand, the complement: DOLK is on the minus strand). VCF-style: chr9-128945952-T-C. GRCh37 (hg19) VCF-style: chr9-131708231-T-C.
Other names: short protein forms D451G.
Identifiers: ClinVar variation 2791866 (VCV002791866.3), dbSNP rs1841654833, ClinGen allele CA375117387.